The following is an entry in ClinVar:

ClinVar aggregate classification (germline): Uncertain significance. Review status: criteria provided, multiple submitters, no conflicts (2 of 4 stars). 2 submissions from 2 submitters: Uncertain significance (2). Last evaluated 2019-09-16.

Conditions:
Autosomal recessive limb-girdle muscular dystrophy type 2J (LGMDR10). Also called: Limb-girdle muscular dystrophy, type 2J; MUSCULAR DYSTROPHY, LIMB-GIRDLE, AUTOSOMAL RECESSIVE 10. Identifiers: Orphanet 140922, MedGen C1837342, MONDO:0012127, OMIM 608807.
Dilated cardiomyopathy 1G (CMD1G). Identifiers: Orphanet 154, MedGen C1858763, MONDO:0011400, OMIM 604145.

Allele frequency attached by ClinVar (database versions not stated): TOPMed below 0.00001; gnomAD 0.00001; gnomAD exomes 0.00001.
gnomAD v4.1: 12 of 1,613,236 alleles (0.00074%); highest among the groups gnomAD compares: Non-Finnish European, 0.001%; no homozygotes.

Submissions (2):

GeneDx
Classification: Uncertain significance. Last evaluated: 2019-09-16. Review status: criteria provided, single submitter. Criteria: GeneDx Variant Classification Process June 2021. Collection method: clinical testing. Allele origin: germline. Affected: yes.
Comment: Not observed in large population cohorts (Lek et al., 2016); Missense variant in a gene in which most reported pathogenic variants are truncating/loss-of-function; Has not been previously published as pathogenic or benign to our knowledge; Not located in the A-band nor the M-line region of titin, where the majority of pathogenic truncating variants have been reported

Labcorp Genetics (formerly Invitae), Labcorp
Classification: Uncertain significance for Dilated cardiomyopathy 1G; Autosomal recessive limb-girdle muscular dystrophy type 2J. Last evaluated: 2017-09-05. Review status: criteria provided, single submitter. Criteria: Invitae Variant Classification Sherloc (09022015). Collection method: clinical testing. Allele origin: germline.

NM_001267550.2(TTN):c.21574G>A (p.Ala7192Thr)

Gene: TTN (titin; minus strand). Cytogenetic location: 2q31.2.
Variant type: single nucleotide variant.
Coding change: c.21574G>A on transcript NM_001267550.2 (MANE Select); coding-DNA position 21574, G replaced by A.
Protein change: p.Ala7192Thr; replaces alanine 7192 with threonine.
Molecular consequence: missense variant. On other transcripts: intron variant (3).
Genome position (GRCh38, 1-based): chr2:178,723,526, C>T on the plus strand (G>A on the coding strand, the complement: TTN is on the minus strand). VCF-style: chr2-178723526-C-T. GRCh37 (hg19) VCF-style: chr2-179588253-C-T.
Other names: c.20623G>A, p.Ala6875Thr (NM_001256850.1); c.17842G>A, p.Ala5948Thr (NM_133378.4); c.13282+14556G>A (NM_003319.4); c.13858+14556G>A (NM_133437.4); c.13657+14556G>A (NM_133432.3); short protein forms A7192T, A6875T, A5948T.
Identifiers: ClinVar variation 535091 (VCV000535091.5), dbSNP rs1212601280, ClinGen allele CA349533698.